The following is an entry in ClinVar:

NM_000038.6(APC):c.8150G>C (p.Gly2717Ala)

Gene: APC (APC regulator of Wnt signaling pathway; plus strand). Cytogenetic location: 5q22.2.
Variant type: single nucleotide variant.
Coding change: c.8150G>C on transcript NM_000038.6 (MANE Select); coding-DNA position 8150, G replaced by C.
Protein change: p.Gly2717Ala; replaces glycine 2717 with alanine.
Molecular consequence: missense variant.
Genome position (GRCh38, 1-based): chr5:112,843,744, G>C. VCF-style: chr5-112843744-G-C. GRCh37 (hg19) VCF-style: chr5-112179441-G-C.
Other names: c.8150G>C, p.Gly2717Ala (NM_001127510.3, NM_001354895.2); c.8096G>C, p.Gly2699Ala (NM_001127511.3); c.8204G>C, p.Gly2735Ala (NM_001354896.2); c.8180G>C, p.Gly2727Ala (NM_001354897.2); c.8075G>C, p.Gly2692Ala (NM_001354898.2); c.8066G>C, p.Gly2689Ala (NM_001354899.2); c.8027G>C, p.Gly2676Ala (NM_001354900.2); c.7973G>C, p.Gly2658Ala (NM_001354901.2); and 5 more; short protein forms G2699A, G2717A, G2591A, G2658A, G2692A, G2727A, G2735A, G2434A.
Identifiers: ClinVar variation 411477 (VCV000411477.58), dbSNP rs876658201, ClinGen allele CA16039024.
Genomic context (GRCh38, chr5:112,843,744, plus strand): 5'-CAAAAGATAATCAGGCAAAACAAAATGTGGGTAATGGCAGTGTTCCCATGCGTACCGTGG[G>C]TTTGGAAAATCGCCTGAACTCCTTTATTCAGGTGGATGCCCCTGACCAAAAAGGAACTGA-3'
Protein context (NP_000029.2, residues 2707-2727): GNGSVPMRTV[Gly2717Ala]LENRLNSFIQ

ClinVar aggregate classification (germline): Uncertain significance. Review status: criteria provided, multiple submitters, no conflicts (2 of 4 stars). 5 submissions from 5 submitters: Uncertain significance (5). Last evaluated 2025-10-14.

Conditions:
Familial adenomatous polyposis 1 (FAP1). Also called: FAMILIAL ADENOMATOUS POLYPOSIS 1, ATTENUATED; POLYPOSIS, ADENOMATOUS INTESTINAL. Identifiers: MedGen C2713442, MONDO:0021056, OMIM 175100. Disease mechanism: loss of function.
Hereditary cancer-predisposing syndrome. Also called: Tumor predisposition; Hereditary Cancer Syndrome; Hereditary neoplastic syndrome; Neoplastic Syndromes, Hereditary. Identifiers: Orphanet 140162, MedGen C0027672, MeSH D009386, MONDO:0015356.
Classic or attenuated familial adenomatous polyposis. Identifiers: MedGen CN372698, MONDO:0021057.

gnomAD v4.1: 1 of 1,614,086 alleles (0.000062%); no homozygotes.

Submissions (5):

Labcorp Genetics (formerly Invitae), Labcorp
Classification: Uncertain significance for Familial adenomatous polyposis 1. Last evaluated: 2025-10-14. Review status: criteria provided, single submitter. Criteria: Invitae Variant Classification Sherloc (09022015). Collection method: clinical testing. Allele origin: germline.
Comment: This sequence change replaces glycine, which is neutral and non-polar, with alanine, which is neutral and non-polar, at codon 2717 of the APC protein (p.Gly2717Ala). This variant is not present in population databases (gnomAD no frequency). This variant has not been reported in the literature in individuals affected with APC-related conditions. ClinVar contains an entry for this variant (Variation ID: 411477). Invitae Evidence Modeling of protein sequence and biophysical properties (such as structural, functional, and spatial information, amino acid conservation, physicochemical variation, residue mobility, and thermodynamic stability) indicates that this missense variant is not expected to disrupt APC protein function with a negative predictive value of 95%. In summary, the available evidence is currently insufficient to determine the role of this variant in disease. Therefore, it has been classified as a Variant of Uncertain Significance.

Color Diagnostics, LLC DBA Color Health
Classification: Uncertain significance for Hereditary cancer-predisposing syndrome. Last evaluated: 2024-03-11. Review status: criteria provided, single submitter. Criteria: ACMG Guidelines, 2015. Collection method: clinical testing. Allele origin: germline.
Comment: This missense variant replaces glycine with alanine at codon 2717 of the APC protein. Computational prediction suggests that this variant may not impact protein structure and function (internally defined REVEL score threshold <= 0.5, PMID: 27666373). To our knowledge, functional studies have not been reported for this variant. This variant has not been reported in individuals affected with APC-related disorders in the literature. This variant has not been identified in the general population by the Genome Aggregation Database (gnomAD). The available evidence is insufficient to determine the role of this variant in disease conclusively. Therefore, this variant is classified as a Variant of Uncertain Significance.

All of Us Research Program, National Institutes of Health
Classification: Uncertain significance for Classic or attenuated familial adenomatous polyposis. Last evaluated: 2024-01-11. Review status: criteria provided, single submitter. Criteria: ACMG Guidelines, 2015. Collection method: clinical testing. Allele origin: germline. Inheritance: Autosomal dominant inheritance. Observed: 1 variant allele, 1 heterozygote.
Comment: This missense variant replaces glycine with alanine at codon 2717 of the APC protein. Computational prediction tool suggests that this variant may not impact protein structure and function (internally defined REVEL score threshold <= 0.5, PMID: 27666373). Splice site prediction tools suggest that this variant may not impact RNA splicing. To our knowledge, functional studies have not been performed for this variant. This variant has not been reported in individuals affected with hereditary cancer in the literature. This variant has not been identified in the general population by the Genome Aggregation Database (gnomAD). The available evidence is insufficient to determine the role of this variant in disease conclusively. Therefore, this variant is classified as a Variant of Uncertain Significance.

This study involves interpretation of variants in research participants for the purpose of population health screening. Participant phenotype was not available at the time of variant classification. Additional details can be found in publication PMID: 35346344, PMCID: PMC8962531

GeneDx
Classification: Uncertain significance. Last evaluated: 2023-03-16. Review status: criteria provided, single submitter. Criteria: GeneDx Variant Classification Process June 2021. Collection method: clinical testing. Allele origin: germline. Affected: yes.
Comment: Not observed at significant frequency in large population cohorts (gnomAD); In silico analysis supports that this missense variant does not alter protein structure/function; Has not been previously published as pathogenic or benign to our knowledge; This variant is associated with the following publications: (PMID: 18199528)

Ambry Genetics
Classification: Uncertain significance for Hereditary cancer-predisposing syndrome. Last evaluated: 2021-12-01. Review status: criteria provided, single submitter. Criteria: Ambry Variant Classification Scheme 2023. Collection method: clinical testing. Allele origin: germline.
Comment: The p.G2717A variant (also known as c.8150G>C), located in coding exon 15 of the APC gene, results from a G to C substitution at nucleotide position 8150. The glycine at codon 2717 is replaced by alanine, an amino acid with similar properties. This amino acid position is highly conserved in available vertebrate species. In addition, in silico predictors for this gene do not accurately predict pathogenicity. Since supporting evidence is limited at this time, the clinical significance of this alteration remains unclear.